The following is an entry in ClinVar:

NM_001035.3(RYR2):c.110T>C (p.Leu37Ser)

Gene: RYR2 (ryanodine receptor 2; plus strand). Cytogenetic location: 1q43.
Variant type: single nucleotide variant.
Coding change: c.110T>C on transcript NM_001035.3 (MANE Select); coding-DNA position 110, T replaced by C.
Protein change: p.Leu37Ser; replaces leucine 37 with serine.
Molecular consequence: missense variant.
Genome position (GRCh38, 1-based): chr1:237,270,558, T>C. VCF-style: chr1-237270558-T-C. GRCh37 (hg19) VCF-style: chr1-237433858-T-C.
Other names: short protein forms L37S.
Identifiers: ClinVar variation 926265 (VCV000926265.3), dbSNP rs1689578487, ClinGen allele CA345654395.

ClinVar aggregate classification (germline): Uncertain significance (1 of 4 stars; one submission).

Conditions:
Cardiomyopathy (CMYO). Also called: Cardiomyopathies. Identifiers: Orphanet 167848, MedGen C0878544, MONDO:0004994, HP:0001638. Inheritance: Various modes of inheritance.

Submission:

Color Diagnostics, LLC DBA Color Health
Classification: Uncertain significance for Cardiomyopathy. Last evaluated: 2019-04-14. Review status: criteria provided, single submitter. Criteria: ACMG Guidelines, 2015. Collection method: clinical testing. Allele origin: germline.
Comment: This missense variant replaces leucine with serine at codon 37 of the RYR2 protein. Computational prediction tools and conservation analyses suggest that this variant may have deleterious impact on the protein function. Computational splicing tools suggest that this variant may not impact RNA splicing. To our knowledge, functional assays have not been performed for this variant nor has this variant been reported in individuals affected with cardiovascular disorders in the literature. This variant has not been identified in the general population by the Genome Aggregation Database (gnomAD). Available evidence is insufficient to determine the role of this variant in disease conclusively. Therefore, this variant is classified as a Variant of Uncertain Significance.